The following is an entry in ClinVar:

ClinVar aggregate classification (germline): Uncertain significance (1 of 4 stars; one submission).

Conditions:
Bethlem myopathy 1A. Also called: Bethlem myopathy 1; MYOPATHY, BENIGN CONGENITAL, WITH CONTRACTURES; Bethlem Muscular Dystrophy. Identifiers: Orphanet 610, MedGen CN029274, MONDO:0024530, OMIM 158810.

Allele frequency attached by ClinVar (database versions not stated): gnomAD 0.00002; TOPMed 0.00002.

Submission:

Labcorp Genetics (formerly Invitae), Labcorp
Classification: Uncertain significance for Bethlem myopathy 1A. Last evaluated: 2024-07-12. Review status: criteria provided, single submitter. Criteria: Invitae Variant Classification Sherloc (09022015). Collection method: clinical testing. Allele origin: germline.
Comment: This sequence change replaces proline, which is neutral and non-polar, with threonine, which is neutral and polar, at codon 357 of the COL6A3 protein (p.Pro357Thr). This variant is not present in population databases (gnomAD no frequency). This variant has not been reported in the literature in individuals affected with COL6A3-related conditions. ClinVar contains an entry for this variant (Variation ID: 574524). Advanced modeling of protein sequence and biophysical properties (such as structural, functional, and spatial information, amino acid conservation, physicochemical variation, residue mobility, and thermodynamic stability) performed at Invitae indicates that this missense variant is not expected to disrupt COL6A3 protein function with a negative predictive value of 95%. In summary, the available evidence is currently insufficient to determine the role of this variant in disease. Therefore, it has been classified as a Variant of Uncertain Significance.

NM_004369.4(COL6A3):c.1069C>A (p.Pro357Thr)

Gene: COL6A3 (collagen type VI alpha 3 chain; minus strand). Cytogenetic location: 2q37.3.
Variant type: single nucleotide variant.
Coding change: c.1069C>A on transcript NM_004369.4 (MANE Select); coding-DNA position 1069, C replaced by A.
Protein change: p.Pro357Thr; replaces proline 357 with threonine.
Molecular consequence: missense variant. On other transcripts: intron variant (2).
Genome position (GRCh38, 1-based): chr2:237,387,825, G>T on the plus strand (C>A on the coding strand, the complement: COL6A3 is on the minus strand). VCF-style: chr2-237387825-G-T. GRCh37 (hg19) VCF-style: chr2-238296468-G-T.
Other names: c.451C>A, p.Pro151Thr (NM_057165.5, NM_057167.4); c.92-6326C>A (NM_057166.5, NM_057164.5); short protein forms P357T, P151T.
Identifiers: ClinVar variation 574524 (VCV000574524.9), dbSNP rs1174559820, ClinGen allele CA351222120.
Genomic context (GRCh38, chr2:237,387,825, plus strand): 5'-ATGAGAACACGCTAGCCTGCTTCAGTGCTACCACCCCGTAGCGAATCTCGTCACTAGAAG[G>T]CCCGGCACTTATGAGGACCAGCACCTGGGGAACCCCTTCCTCCACGCGGCTGCCCCCTGC-3'
Protein context (NP_004360.2, residues 347-367): PQVLVLISAG[Pro357Thr]SSDEIRYGVV